The following is an entry in ClinVar:

NM_004656.4(BAP1):c.1442A>T (p.His481Leu)

Gene: BAP1 (BRCA1 associated deubiquitinase 1; minus strand). Cytogenetic location: 3p21.1.
Variant type: single nucleotide variant.
Coding change: c.1442A>T on transcript NM_004656.4 (MANE Select); coding-DNA position 1442, A replaced by T.
Protein change: p.His481Leu; replaces histidine 481 with leucine.
Molecular consequence: missense variant.
Genome position (GRCh38, 1-based): chr3:52,403,703, T>A on the plus strand (A>T on the coding strand, the complement: BAP1 is on the minus strand). VCF-style: chr3-52403703-T-A. GRCh37 (hg19) VCF-style: chr3-52437719-T-A.
Other names: c.1442A>T (LRG_529t1); short protein forms H481L.
Identifiers: ClinVar variation 489620 (VCV000489620.19), dbSNP rs150441842, ClinGen allele CA353101305.

ClinVar aggregate classification (germline): Uncertain significance. Review status: criteria provided, multiple submitters, no conflicts (2 of 4 stars). 4 submissions from 4 submitters: Uncertain significance (4). Last evaluated 2025-12-09.

Conditions:
Hereditary cancer-predisposing syndrome. Also called: Hereditary Cancer Syndrome; Neoplastic Syndromes, Hereditary; Tumor predisposition; Hereditary neoplastic syndrome. Identifiers: Orphanet 140162, MedGen C0027672, MeSH D009386, MONDO:0015356.
BAP1-related tumor predisposition syndrome (TPDS1). Also called: Tumor susceptibility linked to germline BAP1 mutations; BAP1 tumor predisposition syndrome; COMMON Syndrome; TUMOR PREDISPOSITION SYNDROME 1. Identifiers: Orphanet 289539, MedGen C3280492, MONDO:0013692, OMIM 614327.

gnomAD v4.1: 2 of 1,613,736 alleles (0.00012%); highest among the groups gnomAD compares: Non-Finnish European, 0.00017%; no homozygotes.

Submissions (4):

GeneDx
Classification: Uncertain significance. Last evaluated: 2025-12-09. Review status: criteria provided, single submitter. Criteria: GeneDx Variant Classification Process June 2021. Collection method: clinical testing. Allele origin: germline. Affected: yes.
Comment: Not observed at significant frequency in large population cohorts (gnomAD); In silico analysis suggests that this missense variant does not alter protein structure/function; Has not been previously published as pathogenic or benign to our knowledge

Labcorp Genetics (formerly Invitae), Labcorp
Classification: Uncertain significance for BAP1-related tumor predisposition syndrome. Last evaluated: 2025-08-09. Review status: criteria provided, single submitter. Criteria: Invitae Variant Classification Sherloc (09022015). Collection method: clinical testing. Allele origin: germline.
Comment: This sequence change replaces histidine, which is basic and polar, with leucine, which is neutral and non-polar, at codon 481 of the BAP1 protein (p.His481Leu). This variant is not present in population databases (gnomAD no frequency). This variant has not been reported in the literature in individuals affected with BAP1-related conditions. ClinVar contains an entry for this variant (Variation ID: 489620). Invitae Evidence Modeling of protein sequence and biophysical properties (such as structural, functional, and spatial information, amino acid conservation, physicochemical variation, residue mobility, and thermodynamic stability) indicates that this missense variant is not expected to disrupt BAP1 protein function with a negative predictive value of 80%. In summary, the available evidence is currently insufficient to determine the role of this variant in disease. Therefore, it has been classified as a Variant of Uncertain Significance.

Ambry Genetics
Classification: Uncertain significance for Hereditary cancer-predisposing syndrome. Last evaluated: 2024-01-22. Review status: criteria provided, single submitter. Criteria: Ambry Variant Classification Scheme 2023. Collection method: clinical testing. Allele origin: germline.
Comment: The p.H481L variant (also known as c.1442A>T), located in coding exon 13 of the BAP1 gene, results from an A to T substitution at nucleotide position 1442. The histidine at codon 481 is replaced by leucine, an amino acid with similar properties. This amino acid position is highly conserved in available vertebrate species. In addition, this alteration is predicted to be tolerated by in silico analysis. Since supporting evidence is limited at this time, the clinical significance of this alteration remains unclear.

Color Diagnostics, LLC DBA Color Health
Classification: Uncertain significance for Hereditary cancer-predisposing syndrome. Last evaluated: 2021-12-19. Review status: criteria provided, single submitter. Criteria: ACMG Guidelines, 2015. Collection method: clinical testing. Allele origin: germline.
Comment: This missense variant replaces histidine with leucine at codon 481 of the BAP1 protein. Computational prediction suggests that this variant may not impact protein structure and function (internally defined REVEL score threshold <= 0.5, PMID: 27666373). To our knowledge, functional studies have not been reported for this variant. This variant has not been reported in individuals affected with hereditary cancer in the literature. This variant has not been identified in the general population by the Genome Aggregation Database (gnomAD). The available evidence is insufficient to determine the role of this variant in disease conclusively. Therefore, this variant is classified as a Variant of Uncertain Significance.